The following is an entry in ClinVar:

ClinVar aggregate classification (germline): Uncertain significance (1 of 4 stars; one submission).

Conditions:
Neurodevelopmental disorder with coarse facies and mild distal skeletal abnormalities. Also called: STOLERMAN NEURODEVELOPMENTAL SYNDROME. Identifiers: MedGen C5193134, MONDO:0032790, OMIM 618505.

Submission:

Neuberg Centre For Genomic Medicine, NCGM
Classification: Uncertain significance for Neurodevelopmental disorder with coarse facies and mild distal skeletal abnormalities. Last evaluated: 2023-06-02. Review status: criteria provided, single submitter. Criteria: ACMG Guidelines, 2015. Collection method: clinical testing. Allele origin: germline. Inheritance: Autosomal dominant inheritance. Affected: yes.
Comment: The missense c.1556T>A (p.Leu519His) variant in the KDM6B gene has not been reported previously as a pathogenic variant nor as a benign variant, to our knowledge. This variant is absent in the gnomAD Exomes. The amino acid Leucine at position 519 is changed to a Hisdine changing protein sequence and it might alter its composition and physico-chemical properties. Computational evidence (Polyphen - Benign, SIFT - Damaging and MutationTaster Polymorphism) predicts conflicting evidence on protein structure and function for this variant. The amino Leucine in KDM6B is predicted as conserved by GERP++ and PhyloP across 100 vertebrates. For these reasons, this variant has been classified as Uncertain Significance.

NM_001348716.2(KDM6B):c.1556T>A (p.Leu519His)

Gene: KDM6B (lysine demethylase 6B; plus strand). Cytogenetic location: 17p13.1.
Variant type: single nucleotide variant.
Coding change: c.1556T>A on transcript NM_001348716.2 (MANE Select); coding-DNA position 1556, T replaced by A.
Protein change: p.Leu519His; replaces leucine 519 with histidine.
Molecular consequence: missense variant.
Genome position (GRCh38, 1-based): chr17:7,847,844, T>A. VCF-style: chr17-7847844-T-A. GRCh37 (hg19) VCF-style: chr17-7751162-T-A.
Other names: c.1556T>A, p.Leu519His (NM_001080424.2); short protein forms L519H.
Identifiers: ClinVar variation 3362279 (VCV003362279.3).
Genomic context (GRCh38, chr17:7,847,844, plus strand): 5'-AGATCTTAGAAGAGCTCTTCTTTGGGACTGAGGGACCCCCCCGCCCTGCCCCACCACCCC[T>A]CCCCCATCGCGAGGGCTTCTTGGGGCCTCCGGCCTCCCGCTTTTCTGTGGGCACTCAGGA-3'
Protein context (NP_001335645.1, residues 509-529): EGPPRPAPPP[Leu519His]PHREGFLGPP